The following is an entry in ClinVar:

ClinVar aggregate classification (germline): Benign (1 of 4 stars; one submission).

Allele frequency attached by ClinVar (database versions not stated): 1000 Genomes Project 30x 0.00921; 1000 Genomes Project 0.00938; TOPMed 0.01632; gnomAD 0.02103 and 0.02203.
gnomAD v4.1: 3,200 of 152,108 alleles (2.1%); highest among the groups gnomAD compares: Non-Finnish European, 2.9%; 56 homozygotes.

Submission:

GeneDx
Classification: Benign. Last evaluated: 2018-06-14. Review status: criteria provided, single submitter. Criteria: GeneDx Variant Classification (06012015). Collection method: clinical testing. Allele origin: germline. Affected: yes.
Comment: This variant is considered likely benign or benign based on one or more of the following criteria: it is a conservative change, it occurs at a poorly conserved position in the protein, it is predicted to be benign by multiple in silico algorithms, and/or has population frequency not consistent with disease.

NM_002474.3(MYH11):c.3293+309G>A

Gene: MYH11 (myosin heavy chain 11; minus strand). Cytogenetic location: 16p13.11.
Variant type: single nucleotide variant.
Coding change: c.3293+309G>A on transcript NM_002474.3 (MANE Select); 309 bases into the intron after coding-DNA position 3293, G replaced by A.
Molecular consequence: intron variant.
Genome position (GRCh38, 1-based): chr16:15,737,140, C>T on the plus strand (G>A on the coding strand, the complement: MYH11 is on the minus strand). VCF-style: chr16-15737140-C-T. GRCh37 (hg19) VCF-style: chr16-15830997-C-T.
Other names: c.3293+309G>A (NM_022844.3); c.3314+309G>A (NM_001040114.2, NM_001040113.2).
Identifiers: ClinVar variation 681014 (VCV000681014.1), dbSNP rs76222341, ClinGen allele CA14362876.